The following is an entry in ClinVar:

NM_003890.3(FCGBP):c.3292C>T (p.Leu1098=)

Gene: FCGBP (Fc gamma binding protein; minus strand). Cytogenetic location: 19q13.2.
Variant type: single nucleotide variant.
Coding change: c.3292C>T on transcript NM_003890.3 (MANE Select); coding-DNA position 3292, C replaced by T.
Protein change: p.Leu1098=; no amino-acid change (leucine 1098 retained).
Molecular consequence: synonymous variant.
Genome position (GRCh38, 1-based): chr19:39,913,795, G>A on the plus strand (C>T on the coding strand, the complement: FCGBP is on the minus strand). VCF-style: chr19-39913795-G-A. GRCh37 (hg19) VCF-style: chr19-40419702-G-A.
Identifiers: ClinVar variation 4821768 (VCV004821768.4).

ClinVar aggregate classification (germline): Likely benign (1 of 4 stars; one submission).

Submission:

CeGaT Center for Human Genetics Tuebingen
Classification: Likely benign. Last evaluated: 2026-03-01. Review status: criteria provided, single submitter. Criteria: CeGaT Center For Human Genetics Tuebingen Variant Classification Criteria Version 2. Collection method: clinical testing. Allele origin: germline. Affected: yes. Observed: 1 variant allele.
Comment: FCGBP: BP4, BP7